The following is an entry in ClinVar:

ClinVar aggregate classification (germline): Uncertain significance. Review status: criteria provided, multiple submitters, no conflicts (2 of 4 stars). 3 submissions from 3 submitters: Uncertain significance (3). Last evaluated 2026-01-04.

Conditions:
Charcot-Marie-Tooth disease axonal type 2O. Also called: CHARCOT-MARIE-TOOTH NEUROPATHY, AXONAL, TYPE 2O; CHARCOT-MARIE-TOOTH DISEASE, AXONAL, AUTOSOMAL DOMINANT, TYPE 2O; Charcot-Marie-Tooth Neuropathy Type 2O; Charcot-Marie-Tooth disease, axonal, type 20. Identifiers: Orphanet 284232, MedGen C3280220, MONDO:0013644, OMIM 614228.

Allele frequency attached by ClinVar (database versions not stated): TOPMed below 0.00001; gnomAD 0.00001.
gnomAD v4.1: 2 of 1,613,662 alleles (0.00012%); highest among the groups gnomAD compares: Non-Finnish European, 0.00017%; no homozygotes.

Submissions (3):

Labcorp Genetics (formerly Invitae), Labcorp
Classification: Uncertain significance for Charcot-Marie-Tooth disease axonal type 2O. Last evaluated: 2026-01-04. Review status: criteria provided, single submitter. Criteria: Invitae Variant Classification Sherloc (09022015). Collection method: clinical testing. Allele origin: germline.
Comment: This sequence change replaces threonine, which is neutral and polar, with arginine, which is basic and polar, at codon 4226 of the DYNC1H1 protein (p.Thr4226Arg). This variant is not present in population databases (gnomAD no frequency). This missense change has been observed in individual(s) with clinical features of Charcot-Marie-Tooth neuropathy (internal data). ClinVar contains an entry for this variant (Variation ID: 576823). Invitae Evidence Modeling of protein sequence and biophysical properties (such as structural, functional, and spatial information, amino acid conservation, physicochemical variation, residue mobility, and thermodynamic stability) indicates that this missense variant is not expected to disrupt DYNC1H1 protein function with a negative predictive value of 95%. In summary, the available evidence is currently insufficient to determine the role of this variant in disease. Therefore, it has been classified as a Variant of Uncertain Significance.

GeneDx
Classification: Uncertain significance. Last evaluated: 2024-10-30. Review status: criteria provided, single submitter. Criteria: GeneDx Variant Classification Process June 2021. Collection method: clinical testing. Allele origin: germline. Affected: yes.
Comment: Not observed at significant frequency in large population cohorts (gnomAD); In silico analysis supports that this missense variant has a deleterious effect on protein structure/function; Has not been previously published as pathogenic or benign to our knowledge; This variant is associated with the following publications: (PMID: 25512093, 25609763, 26100331)

CeGaT Center for Human Genetics Tuebingen
Classification: Uncertain significance. Last evaluated: 2024-07-01. Review status: criteria provided, single submitter. Criteria: CeGaT Center For Human Genetics Tuebingen Variant Classification Criteria Version 2. Collection method: clinical testing. Allele origin: germline. Affected: yes. Observed: 1 variant allele.

NM_001376.5(DYNC1H1):c.12677C>G (p.Thr4226Arg)

Gene: DYNC1H1 (dynein cytoplasmic 1 heavy chain 1; plus strand). Cytogenetic location: 14q32.31.
Variant type: single nucleotide variant.
Coding change: c.12677C>G on transcript NM_001376.5 (MANE Select); coding-DNA position 12677, C replaced by G.
Protein change: p.Thr4226Arg; replaces threonine 4226 with arginine.
Molecular consequence: missense variant.
Genome position (GRCh38, 1-based): chr14:102,044,038, C>G. VCF-style: chr14-102044038-C-G. GRCh37 (hg19) VCF-style: chr14-102510375-C-G.
Other names: short protein forms T4226R.
Identifiers: ClinVar variation 576823 (VCV000576823.26), dbSNP rs776972173, ClinGen allele CA391042687.